The following is an entry in ClinVar:

ClinVar aggregate classification (germline): Uncertain significance (1 of 4 stars; one submission).

Conditions:
Hereditary spastic paraplegia 3A (SPG3A). Also called: SPASTIC PARAPLEGIA 3, AUTOSOMAL DOMINANT; FAMILIAL SPASTIC PARAPLEGIA, AUTOSOMAL DOMINANT, 1; SPG3; STRUMPELL DISEASE; Spastic paraplegia 3A, autosomal dominant; Spastic Paraplegia 3A. Identifiers: Orphanet 100984, MedGen C2931355, MONDO:0008437, OMIM 182600.

Allele frequency attached by ClinVar (database versions not stated): TOPMed 0.00001.

Submission:

Labcorp Genetics (formerly Invitae), Labcorp
Classification: Uncertain significance for Hereditary spastic paraplegia 3A. Last evaluated: 2021-11-26. Review status: criteria provided, single submitter. Criteria: Invitae Variant Classification Sherloc (09022015). Collection method: clinical testing. Allele origin: germline.
Comment: This variant has not been reported in the literature in individuals affected with ATL1-related conditions. In summary, the available evidence is currently insufficient to determine the role of this variant in disease. Therefore, it has been classified as a Variant of Uncertain Significance. Advanced modeling of protein sequence and biophysical properties (such as structural, functional, and spatial information, amino acid conservation, physicochemical variation, residue mobility, and thermodynamic stability) performed at Invitae indicates that this missense variant is not expected to disrupt ATL1 protein function. This variant is not present in population databases (gnomAD no frequency). This sequence change replaces leucine, which is neutral and non-polar, with phenylalanine, which is neutral and non-polar, at codon 131 of the ATL1 protein (p.Leu131Phe).

NM_015915.5(ATL1):c.391C>T (p.Leu131Phe)

Gene: ATL1 (atlastin GTPase 1; plus strand). Cytogenetic location: 14q22.1.
Variant type: single nucleotide variant.
Coding change: c.391C>T on transcript NM_015915.5 (MANE Select); coding-DNA position 391, C replaced by T.
Protein change: p.Leu131Phe; replaces leucine 131 with phenylalanine.
Molecular consequence: missense variant.
Genome position (GRCh38, 1-based): chr14:50,591,049, C>T. VCF-style: chr14-50591049-C-T. GRCh37 (hg19) VCF-style: chr14-51057767-C-T.
Other names: c.391C>T, p.Leu131Phe (NM_001127713.1, NM_181598.4); short protein forms L131F.
Identifiers: ClinVar variation 1427572 (VCV001427572.6), dbSNP rs1056287593, ClinGen allele CA260774089.